The following is an entry in ClinVar:

NM_001605.3(AARS1):c.388A>G (p.Ile130Val)

Gene: AARS1 (alanyl-tRNA synthetase 1; minus strand). Cytogenetic location: 16q22.1.
Variant type: single nucleotide variant.
Coding change: c.388A>G on transcript NM_001605.3 (MANE Select); coding-DNA position 388, A replaced by G.
Protein change: p.Ile130Val; replaces isoleucine 130 with valine.
Molecular consequence: missense variant.
Genome position (GRCh38, 1-based): chr16:70,276,577, T>C on the plus strand (A>G on the coding strand, the complement: AARS1 is on the minus strand). VCF-style: chr16-70276577-T-C. GRCh37 (hg19) VCF-style: chr16-70310480-T-C.
Other names: short protein forms I130V.
Identifiers: ClinVar variation 2897014 (VCV002897014.3), dbSNP rs2507028668, ClinGen allele CA396568946.
Genomic context (GRCh38, chr16:70,276,577, plus strand): 5'-GATCTGCTTCTAAGCCAGCTGCTTCATCCCCGCCAAAGTAAGTAACATAAAGTCTTTCAA[T>C]GGGAATGCCAAACTCTTGGGTGAGGAGTTCCAGAGCCATCTTACATGCCAATTCCTACAA-3'
Protein context (NP_001596.2, residues 120-140): ELLTQEFGIP[Ile130Val]ERLYVTYFGG

ClinVar aggregate classification (germline): Uncertain significance (1 of 4 stars; one submission).

Conditions:
Charcot-Marie-Tooth disease type 2. Also called: Charcot-Marie-Tooth type 2. Identifiers: Orphanet 64746, MedGen C0270914, MONDO:0018993.

Allele frequency attached by ClinVar (database versions not stated): gnomAD exomes below 0.00001.

Submission:

Labcorp Genetics (formerly Invitae), Labcorp
Classification: Uncertain significance for Charcot-Marie-Tooth disease type 2. Last evaluated: 2023-11-27. Review status: criteria provided, single submitter. Criteria: Invitae Variant Classification Sherloc (09022015). Collection method: clinical testing. Allele origin: germline.
Comment: This sequence change replaces isoleucine, which is neutral and non-polar, with valine, which is neutral and non-polar, at codon 130 of the AARS protein (p.Ile130Val). This variant is not present in population databases (gnomAD no frequency). This variant has not been reported in the literature in individuals affected with AARS-related conditions. Advanced modeling of protein sequence and biophysical properties (such as structural, functional, and spatial information, amino acid conservation, physicochemical variation, residue mobility, and thermodynamic stability) performed at Invitae indicates that this missense variant is not expected to disrupt AARS protein function with a negative predictive value of 95%. In summary, the available evidence is currently insufficient to determine the role of this variant in disease. Therefore, it has been classified as a Variant of Uncertain Significance.